The following is an entry in ClinVar:

ClinVar aggregate classification (germline): Likely benign. Review status: criteria provided, multiple submitters, no conflicts (2 of 4 stars). 5 submissions from 5 submitters: Likely benign (4). 1 of the submissions does not count toward it. Last evaluated 2026-01-08.

Conditions:
Inborn genetic diseases. Identifiers: MedGen C0950123, MeSH D030342.
Rubinstein-Taybi syndrome (RSTS). Identifiers: Orphanet 783, MedGen C0035934, MONDO:0019188.
CREBBP-related disorder. Also called: CREBBP-related condition; CREBBP-related disorders.

Allele frequency attached by ClinVar (database versions not stated): TOPMed 0.00015; ExAC 0.00019; gnomAD 0.00019; ESP Exome Variant Server 0.00023; 1000 Genomes Project 30x 0.00062; 1000 Genomes Project 0.00080.
gnomAD v4.1: 73 of 1,585,400 alleles (0.0046%); highest among the groups gnomAD compares: African/African-American, 0.05%; no homozygotes.

Submissions (5):

Labcorp Genetics (formerly Invitae), Labcorp
Classification: Likely benign for Rubinstein-Taybi syndrome. Last evaluated: 2026-01-08. Review status: criteria provided, single submitter. Criteria: Invitae Variant Classification Sherloc (09022015). Collection method: clinical testing. Allele origin: germline.

Blueprint Genetics
Classification: Likely benign. Last evaluated: 2023-03-15. Review status: criteria provided, single submitter. Criteria: ACMG Guidelines, 2015. Collection method: clinical testing. Allele origin: germline.

GeneDx
Classification: Likely benign. Last evaluated: 2020-09-02. Review status: criteria provided, single submitter. Criteria: GeneDx Variant Classification Process June 2021. Collection method: clinical testing. Allele origin: germline. Affected: yes.

Ambry Genetics
Classification: Likely benign for Inborn genetic diseases. Last evaluated: 2018-08-29. Review status: criteria provided, single submitter. Criteria: Ambry Variant Classification Scheme 2023. Collection method: clinical testing. Allele origin: germline.

PreventionGenetics, part of Exact Sciences
Classification: Likely benign for CREBBP-related condition. Last evaluated: 2022-03-31. Review status: no assertion criteria provided. Collection method: clinical testing. Allele origin: germline. Not counted in ClinVar's aggregate classification.
Comment: This variant is classified as likely benign based on ACMG/AMP sequence variant interpretation guidelines (Richards et al. 2015 PMID: 25741868, with internal and published modifications).

NM_004380.3(CREBBP):c.5991C>T (p.Pro1997=)

Gene: CREBBP (CREB binding lysine acetyltransferase; minus strand). Cytogenetic location: 16p13.3.
Variant type: single nucleotide variant.
Coding change: c.5991C>T on transcript NM_004380.3 (MANE Select); coding-DNA position 5991, C replaced by T.
Protein change: p.Pro1997=; no amino-acid change (proline 1997 retained).
Molecular consequence: synonymous variant.
Genome position (GRCh38, 1-based): chr16:3,729,056, G>A on the plus strand (C>T on the coding strand, the complement: CREBBP is on the minus strand). VCF-style: chr16-3729056-G-A. GRCh37 (hg19) VCF-style: chr16-3779057-G-A.
Other names: c.5877C>T, p.Pro1959= (NM_001079846.1).
Identifiers: ClinVar variation 1254852 (VCV001254852.13), dbSNP rs201101808, ClinGen allele CA7869203.
Genomic context (GRCh38, chr16:3,729,056, plus strand): 5'-AGGCATGCTGGGCATGACGGGCCCGCTCACCTGGTTGGGTCGGGGCACATTCAGGCTCAC[G>A]GGGGCCATCTGGCTCCCCGGGGTCCCCATGCCCGTGCGTCCTGGGGGCATGCTGTTGTTG-3'
Protein context (NP_004371.2, residues 1987-2007): GMGTPGSQMA[Pro1997=]VSLNVPRPNQ